The following is an entry in ClinVar:

ClinVar aggregate classification (germline): Uncertain significance (1 of 4 stars; one submission).

gnomAD v4.1: 60 of 1,595,628 alleles (0.0038%); highest among the groups gnomAD compares: African/African-American, 0.0054%; no homozygotes.

Submission:

Labcorp Genetics (formerly Invitae), Labcorp
Classification: Uncertain significance. Last evaluated: 2022-05-13. Review status: criteria provided, single submitter. Criteria: Invitae Variant Classification Sherloc (09022015). Collection method: clinical testing. Allele origin: germline.
Comment: In summary, the available evidence is currently insufficient to determine the role of this variant in disease. Therefore, it has been classified as a Variant of Uncertain Significance. Algorithms developed to predict the effect of missense changes on protein structure and function are either unavailable or do not agree on the potential impact of this missense change (SIFT: "Deleterious"; PolyPhen-2: "Probably Damaging"; Align-GVGD: "Class C0"). This variant has not been reported in the literature in individuals affected with DGKZ-related conditions. This variant is present in population databases (rs769327980, gnomAD 0.008%). This sequence change replaces aspartic acid, which is acidic and polar, with histidine, which is basic and polar, at codon 844 of the DGKZ protein (p.Asp844His).

NM_001199267.2(DGKZ):c.1963G>C (p.Asp655His)

Gene: DGKZ (diacylglycerol kinase zeta; plus strand). Cytogenetic location: 11p11.2.
Variant type: single nucleotide variant.
Coding change: c.1963G>C on transcript NM_001199267.2 (MANE Select); coding-DNA position 1963, G replaced by C.
Protein change: p.Asp655His; replaces aspartic acid 655 with histidine.
Molecular consequence: missense variant.
Genome position (GRCh38, 1-based): chr11:46,375,906, G>C. VCF-style: chr11-46375906-G-C. GRCh37 (hg19) VCF-style: chr11-46397456-G-C.
Other names: c.2530G>C, p.Asp844His (NM_001105540.2); c.1966G>C, p.Asp656His (NM_001199266.2, NM_003646.4); c.1897G>C, p.Asp633His (NM_001199268.2); c.2014G>C, p.Asp672His (NM_201532.3); c.1978G>C, p.Asp660His (NM_201533.3); short protein forms D656H, D660H, D655H, D844H, D633H, D672H.
Identifiers: ClinVar variation 2150653 (VCV002150653.4), dbSNP rs769327980, ClinGen allele CA5963012.